The following is an entry in ClinVar:

ClinVar aggregate classification (germline): Uncertain significance (1 of 4 stars; one submission).

Allele frequency attached by ClinVar (database versions not stated): gnomAD exomes below 0.00001 and 0.00001; ExAC 0.00001.

Submission:

Laboratorio de Genetica e Diagnostico Molecular, Hospital Israelita Albert Einstein
Classification: Uncertain significance. Last evaluated: 2021-04-01. Review status: criteria provided, single submitter. Criteria: ACMG Guidelines, 2015. Collection method: clinical testing. Allele origin: germline. Affected: yes.
Comment: ACMG classification criteria: PM2, BP4

NM_006946.4(SPTBN2):c.1852A>G (p.Lys618Glu)

Gene: SPTBN2 (spectrin beta, non-erythrocytic 2; minus strand). Cytogenetic location: 11q13.2.
Variant type: single nucleotide variant.
Coding change: c.1852A>G on transcript NM_006946.4 (MANE Select); coding-DNA position 1852, A replaced by G.
Protein change: p.Lys618Glu; replaces lysine 618 with glutamic acid.
Molecular consequence: missense variant.
Genome position (GRCh38, 1-based): chr11:66,705,424, T>C on the plus strand (A>G on the coding strand, the complement: SPTBN2 is on the minus strand). VCF-style: chr11-66705424-T-C. GRCh37 (hg19) VCF-style: chr11-66472895-T-C.
Other names: short protein forms K618E.
Identifiers: ClinVar variation 1690621 (VCV001690621.2), dbSNP rs749397149, ClinGen allele CA6129234.